The following is an entry in ClinVar:

ClinVar aggregate classification (germline): Likely pathogenic (1 of 4 stars; one submission).

Conditions:
Developmental and epileptic encephalopathy, 86. Also called: EPILEPTIC ENCEPHALOPATHY, EARLY INFANTILE, 86. Identifiers: MedGen C5394462, MONDO:0030054, OMIM 618910.

gnomAD v4.1: 8 of 1,613,992 alleles (0.0005%); highest among the groups gnomAD compares: African/African-American, 0.0027%; no homozygotes.

Submission:

First Genomix Gene Laboratory, Genetic Diagnostics Department
Classification: Likely pathogenic for Developmental and epileptic encephalopathy, 86. Last evaluated: 2025-09-19. Review status: criteria provided, single submitter. Criteria: ACMG Guidelines, 2015. Collection method: clinical testing. Allele origin: germline. Inheritance: Autosomal recessive inheritance. Affected: no. Observed: 1 variant allele.

NM_001009996.3(DALRD3):c.895C>T (p.Gln299Ter)

Gene: DALRD3 (DALR anticodon binding domain containing 3; minus strand). Cytogenetic location: 3p21.31.
Variant type: single nucleotide variant.
Coding change: c.895C>T on transcript NM_001009996.3 (MANE Select); coding-DNA position 895, C replaced by T.
Protein change: p.Gln299Ter; replaces glutamine 299 with a stop codon.
Molecular consequence: nonsense.
Genome position (GRCh38, 1-based): chr3:49,017,260, G>A on the plus strand (C>T on the coding strand, the complement: DALRD3 is on the minus strand). VCF-style: chr3-49017260-G-A. GRCh37 (hg19) VCF-style: chr3-49054693-G-A.
Other names: c.895C>T, p.Gln299Ter (NM_001276405.2); c.394C>T, p.Gln132Ter (NM_018114.6); short protein forms Q132*, Q299*.
Identifiers: ClinVar variation 4850368 (VCV004850368.1).
Genomic context (GRCh38, chr3:49,017,260, plus strand): 5'-GGGAGCTCCACCATCATTATTAACCTACCTGTCTGAGTGGAGCCTTGTCAACCAACTTCT[G>A]CCAAAGCAGGTCCAACTTCTGTTGCTGGAACTCCTCCTCACAGCTAACAACATGTACAAC-3'